The following is an entry in ClinVar:

ClinVar aggregate classification (germline): Pathogenic (1 of 4 stars; one submission).

Conditions:
Hereditary spastic paraplegia 11. Also called: Spastic Paraplegia 11; Spastic paraplegia, mental retardation and thin corpus callosum; Nakamura Osame syndrome; Autosomal recessive hereditary spastic paraplegia, mental impairment, and thin corpus callosum; SPASTIC PARAPLEGIA, AUTOSOMAL RECESSIVE, COMPLICATED, WITH THIN CORPUS CALLOSUM; SPASTIC PARAPLEGIA, AUTOSOMAL RECESSIVE, WITH MENTAL IMPAIRMENT AND THIN CORPUS CALLOSUM. Identifiers: Orphanet 2822, MedGen C1858479, MONDO:0011445, OMIM 604360.

Submission:

Labcorp Genetics (formerly Invitae), Labcorp
Classification: Pathogenic for Hereditary spastic paraplegia 11. Last evaluated: 2023-03-13. Review status: criteria provided, single submitter. Criteria: Invitae Variant Classification Sherloc (09022015). Collection method: clinical testing. Allele origin: germline.
Comment: For these reasons, this variant has been classified as Pathogenic. ClinVar contains an entry for this variant (Variation ID: 1998563). This variant has not been reported in the literature in individuals affected with SPG11-related conditions. This variant is not present in population databases (gnomAD no frequency). This sequence change creates a premature translational stop signal (p.Ala1726Serfs*4) in the SPG11 gene. It is expected to result in an absent or disrupted protein product. Loss-of-function variants in SPG11 are known to be pathogenic (PMID: 19105190, 20110243, 22154821, 26556829).

Literature cited by the submitters: PubMed 19105190; PubMed 20110243; PubMed 22154821; PubMed 26556829.

NM_025137.4(SPG11):c.5175dup (p.Ala1726fs)

Gene: SPG11 (SPG11 vesicle trafficking associated, spatacsin; minus strand). Cytogenetic location: 15q21.1.
Variant type: Duplication.
Coding change: c.5175dup on transcript NM_025137.4 (MANE Select); coding-DNA position 5175, one base duplicated (A; older notation c.5175dupA).
Protein change: p.Ala1726fs; shifts the reading frame from alanine 1726.
Molecular consequence: frameshift variant.
Genome position (GRCh38, 1-based): chr15:44,584,505, T duplicated on the plus strand (A on the coding strand, the reverse complement: SPG11 is on the minus strand); the first of 2 consecutive T bases (chr15:44,584,505-44,584,506); duplicating either gives the same sequence. VCF-style (leftmost placement, unchanged base first): chr15-44584504-C-CT. GRCh37 (hg19) VCF-style: chr15-44876702-C-CT.
Other names: c.5175dup, p.Ala1726fs (NM_001160227.2); short protein forms A1726fs.
Identifiers: ClinVar variation 1998563 (VCV001998563.4), dbSNP rs1060499768, ClinGen allele CA2580089464.